The following is an entry in ClinVar:

NM_000303.3(PMM2):c.377_381del (p.Met126fs)

Gene: PMM2 (phosphomannomutase 2; plus strand). Cytogenetic location: 16p13.2.
Variant type: Deletion.
Coding change: c.377_381del on transcript NM_000303.3 (MANE Select); coding-DNA positions 377 to 381, 5 bases deleted (TGTTA; older notation c.377_381delTGTTA).
Protein change: p.Met126fs; shifts the reading frame from methionine 126.
Molecular consequence: frameshift variant.
Genome position (GRCh38, 1-based): chr16:8,811,108-8,811,112, TGTTA deleted; deleting any 5 consecutive bases within chr16:8,811,107-8,811,112 gives the same sequence; the c. name uses the placement nearest the transcript's 3' end. VCF-style (leftmost placement, unchanged base first): chr16-8811106-GATGTT-G. GRCh37 (hg19) VCF-style: chr16-8904963-GATGTT-G.
Other names: c.377_381del (NM_000303.2); short protein forms M126fs.
Identifiers: ClinVar variation 1072362 (VCV001072362.8), dbSNP rs2141022986, ClinGen allele CA2499223724.

ClinVar aggregate classification (germline): Pathogenic/Likely pathogenic. Review status: criteria provided, multiple submitters, no conflicts (2 of 4 stars). 2 submissions from 2 submitters: Pathogenic (1); Likely pathogenic (1). Last evaluated 2025-12-10.

Conditions:
PMM2-congenital disorder of glycosylation. Also called: PMM2-CDG; JAEKEN SYNDROME; PHOSPHOMANNOMUTASE 2 DEFICIENCY; CARBOHYDRATE-DEFICIENT GLYCOPROTEIN SYNDROME, TYPE Ia; Congenital disorder of glycosylation, type Ia; CDG Ia. Identifiers: Orphanet 79318, MedGen C0349653, MONDO:0008907, OMIM 212065.

Submissions (2):

Natera, Inc.
Classification: Likely pathogenic for Congenital disorder of glycosylation type 1a. Last evaluated: 2025-12-10. Review status: criteria provided, single submitter. Criteria: Natera Variant Classification Schema (03/2026). Collection method: clinical testing. Allele origin: germline.
Comment: The c.377_381del variant in PMM2 is a frameshift variant predicted to shift the reading frame beginning at codon 126 and leads to a stop codon 16 codons downstream. This variant is expected to result in nonsense mediated decay, truncation, or a dysfunctional protein product. This variant is rare in the general population with a frequency below the threshold expected for the associated phenotype(s). Given the available evidence, this variant is classified as Likely Pathogenic.

Labcorp Genetics (formerly Invitae), Labcorp
Classification: Pathogenic for PMM2-congenital disorder of glycosylation. Last evaluated: 2023-03-27. Review status: criteria provided, single submitter. Criteria: Invitae Variant Classification Sherloc (09022015). Collection method: clinical testing. Allele origin: germline.
Comment: For these reasons, this variant has been classified as Pathogenic. ClinVar contains an entry for this variant (Variation ID: 1072362). This variant has not been reported in the literature in individuals affected with PMM2-related conditions. This variant is not present in population databases (gnomAD no frequency). This sequence change creates a premature translational stop signal (p.Met126Lysfs*16) in the PMM2 gene. It is expected to result in an absent or disrupted protein product. Loss-of-function variants in PMM2 are known to be pathogenic (PMID: 19862844).

Literature cited by the submitters: PubMed 19862844 (cited by Labcorp Genetics (formerly Invitae), Labcorp).